The following is an entry in ClinVar:

ClinVar aggregate classification (germline): Uncertain significance. Review status: criteria provided, single submitter (1 of 4 stars). 2 submissions from 2 submitters: Uncertain significance (1). 1 of the submissions does not count toward it. Last evaluated 2025-10-01.

Conditions:
PLXNA2-related disorder. Also called: PLXNA2-related condition.

gnomAD v4.1: 20 of 1,613,414 alleles (0.0012%); highest among the groups gnomAD compares: Non-Finnish European, 0.0016%; no homozygotes.

Submissions (2):

Ambry Genetics
Classification: Uncertain significance. Last evaluated: 2025-10-01. Review status: criteria provided, single submitter. Criteria: Ambry Variant Classification Scheme 2023. Collection method: clinical testing. Allele origin: germline.

PreventionGenetics, part of Exact Sciences
Classification: Uncertain significance for PLXNA2-related condition. Last evaluated: 2024-05-03. Review status: no assertion criteria provided. Collection method: clinical testing. Allele origin: germline. Not counted in ClinVar's aggregate classification.
Comment: The PLXNA2 c.3237T>A variant is predicted to result in the amino acid substitution p.Asn1079Lys. To our knowledge, this variant has not been reported in the literature. This variant is reported in 0.00088% of alleles in individuals of European (Non-Finnish) descent in gnomAD. At this time, the clinical significance of this variant is uncertain due to the absence of conclusive functional and genetic evidence.

NM_025179.4(PLXNA2):c.3237T>A (p.Asn1079Lys)

Gene: PLXNA2 (plexin A2; minus strand). Cytogenetic location: 1q32.2.
Variant type: single nucleotide variant.
Coding change: c.3237T>A on transcript NM_025179.4 (MANE Select); coding-DNA position 3237, T replaced by A.
Protein change: p.Asn1079Lys; replaces asparagine 1079 with lysine.
Molecular consequence: missense variant.
Genome position (GRCh38, 1-based): chr1:208,051,027, A>T on the plus strand (T>A on the coding strand, the complement: PLXNA2 is on the minus strand). VCF-style: chr1-208051027-A-T. GRCh37 (hg19) VCF-style: chr1-208224372-A-T.
Other names: short protein forms N1079K.
Identifiers: ClinVar variation 3344027 (VCV003344027.2).